The following is an entry in ClinVar:

ClinVar aggregate classification (germline): Uncertain significance (1 of 4 stars; one submission).

Conditions:
Familial Mediterranean fever (FMF). Also called: POLYSEROSITIS, FAMILIAL PAROXYSMAL; POLYSEROSITIS, RECURRENT; Periodic peritonitis; Benign paroxysmal peritonitis. Identifiers: Orphanet 342, MedGen C0031069, MONDO:0018088, OMIM 249100. Disease mechanism: gain of function.

Allele frequency attached by ClinVar (database versions not stated): gnomAD exomes below 0.00001.

Submission:

Labcorp Genetics (formerly Invitae), Labcorp
Classification: Uncertain significance for Familial Mediterranean fever. Last evaluated: 2022-07-21. Review status: criteria provided, single submitter. Criteria: Invitae Variant Classification Sherloc (09022015). Collection method: clinical testing. Allele origin: germline.
Comment: In summary, the available evidence is currently insufficient to determine the role of this variant in disease. Therefore, it has been classified as a Variant of Uncertain Significance. Algorithms developed to predict the effect of missense changes on protein structure and function output the following: SIFT: "Tolerated"; PolyPhen-2: "Possibly Damaging"; Align-GVGD: "Class C0". The leucine amino acid residue is found in multiple mammalian species, which suggests that this missense change does not adversely affect protein function. This variant has not been reported in the literature in individuals affected with MEFV-related conditions. This variant is not present in population databases (gnomAD no frequency). This sequence change replaces phenylalanine, which is neutral and non-polar, with leucine, which is neutral and non-polar, at codon 21 of the MEFV protein (p.Phe21Leu).

NM_000243.3(MEFV):c.61T>C (p.Phe21Leu)

Gene: MEFV (MEFV innate immunity regulator, pyrin; minus strand). Cytogenetic location: 16p13.3.
Variant type: single nucleotide variant.
Coding change: c.61T>C on transcript NM_000243.3 (MANE Select); coding-DNA position 61, T replaced by C.
Protein change: p.Phe21Leu; replaces phenylalanine 21 with leucine.
Molecular consequence: missense variant.
Genome position (GRCh38, 1-based): chr16:3,256,527, A>G on the plus strand (T>C on the coding strand, the complement: MEFV is on the minus strand). VCF-style: chr16-3256527-A-G. GRCh37 (hg19) VCF-style: chr16-3306527-A-G.
Other names: c.61T>C, p.Phe21Leu (NM_001198536.2); short protein forms F21L.
Identifiers: ClinVar variation 2109237 (VCV002109237.4), dbSNP rs2543159867, ClinGen allele CA394485295.